The following is an entry in ClinVar:

ClinVar aggregate classification (germline): Pathogenic. Review status: criteria provided, multiple submitters, no conflicts (2 of 4 stars). 2 submissions from 2 submitters: Pathogenic (2). Last evaluated 2025-02-07.

Conditions:
Microcephaly 5, primary, autosomal recessive (MCPH5). Also called: ASPM Primary Microcephaly. Identifiers: Orphanet 2512, MedGen C1837501, MONDO:0012106, OMIM 608716.

Submissions (2):

GeneDx
Classification: Pathogenic. Last evaluated: 2025-02-07. Review status: criteria provided, single submitter. Criteria: GeneDx Variant Classification Process June 2021. Collection method: clinical testing. Allele origin: germline. Affected: yes.
Comment: Frameshift variant predicted to result in protein truncation or nonsense mediated decay in a gene for which loss of function is a known mechanism of disease; Not observed at significant frequency in large population cohorts (gnomAD); Has not been previously published as pathogenic or benign to our knowledge; This variant is associated with the following publications: (PMID: 31589614)

Genetic Services Laboratory, University of Chicago
Classification: Pathogenic for Microcephaly 5, primary, autosomal recessive. Last evaluated: 2016-07-27. Review status: criteria provided, single submitter. Criteria: ACMG Guidelines, 2015. Collection method: clinical testing. Allele origin: germline. Affected: yes.

NM_018136.5(ASPM):c.1798_1801del (p.Lys600fs)

Gene: ASPM (assembly factor for spindle microtubules; minus strand). Cytogenetic location: 1q31.3.
Variant type: Deletion.
Coding change: c.1798_1801del on transcript NM_018136.5 (MANE Select); coding-DNA positions 1798 to 1801, 4 bases deleted (AAAA; older notation c.1798_1801delAAAA).
Protein change: p.Lys600fs; shifts the reading frame from lysine 600.
Molecular consequence: frameshift variant.
Genome position (GRCh38, 1-based): chr1:197,142,451-197,142,454, TTTT deleted on the plus strand (AAAA on the coding strand, the reverse complement: ASPM is on the minus strand). VCF-style (leftmost placement, unchanged base first): chr1-197142450-CTTTT-C. GRCh37 (hg19) VCF-style: chr1-197111580-CTTTT-C.
Other names: c.1798_1801del, p.Lys600fs (NM_001206846.2); short protein forms K600fs.
Identifiers: ClinVar variation 434418 (VCV000434418.7), dbSNP rs1553227645, ClinGen allele CA645372483.